The following is an entry in ClinVar:

NM_020376.4(PNPLA2):c.1364C>A (p.Pro455Gln)

Gene: PNPLA2 (patatin like domain 2, triacylglycerol lipase; plus strand). Cytogenetic location: 11p15.5.
Variant type: single nucleotide variant.
Coding change: c.1364C>A on transcript NM_020376.4 (MANE Select); coding-DNA position 1364, C replaced by A.
Protein change: p.Pro455Gln; replaces proline 455 with glutamine.
Molecular consequence: missense variant.
Genome position (GRCh38, 1-based): chr11:824,711, C>A. VCF-style: chr11-824711-C-A. GRCh37 (hg19) VCF-style: chr11-824711-C-A.
Other names: p.Pro455Gln; short protein forms P455Q.
Identifiers: ClinVar variation 261233 (VCV000261233.22), dbSNP rs187668158, ClinGen allele CA5791386.
Genomic context (GRCh38, chr11:824,711, plus strand): 5'-AGTGGGAGGAGTGCCAGCGCCAGCTGCTGCTCGGCCTCTTCTGCACCAACGTGGCCTTCC[C>A]GCCCGAAGCTCTGCGCATGCGCGCACCCGCCGACCCGGCTCCCGCCCCCGCGGACCCAGC-3'
Protein context (NP_065109.1, residues 445-465): LGLFCTNVAF[Pro455Gln]PEALRMRAPA

ClinVar aggregate classification (germline): Conflicting classifications of pathogenicity. Review status: criteria provided, conflicting classifications (1 of 4 stars). 6 submissions from 6 submitters: Uncertain significance (2); Likely benign (4). Last evaluated 2026-01-24.

Conditions:
Neutral lipid storage myopathy (NLSDM). Also called: NEUTRAL LIPID STORAGE DISEASE WITHOUT ICHTHYOSIS. Identifiers: Orphanet 98908, MedGen C1853136, MONDO:0012545, OMIM 610717.
Inborn genetic diseases. Identifiers: MedGen C0950123, MeSH D030342.

Allele frequency attached by ClinVar (database versions not stated): gnomAD exomes 0.00037; ExAC 0.00054; ESP Exome Variant Server 0.00062; 1000 Genomes Project 0.00120; 1000 Genomes Project 30x 0.00125; gnomAD 0.00191 and 0.00224; TOPMed 0.00201.

Submissions (6):

Labcorp Genetics (formerly Invitae), Labcorp
Classification: Likely benign for Neutral lipid storage myopathy. Last evaluated: 2026-01-24. Review status: criteria provided, single submitter. Criteria: Invitae Variant Classification Sherloc (09022015). Collection method: clinical testing. Allele origin: germline.

Mayo Clinic Laboratories, Mayo Clinic
Classification: Likely benign. Last evaluated: 2025-04-02. Review status: criteria provided, single submitter. Criteria: ACMG Guidelines, 2015. Collection method: clinical testing. Allele origin: germline. Observed: 3 variant alleles.
Comment: BS1, BP4_moderate

Blueprint Genetics
Classification: Uncertain significance. Last evaluated: 2024-11-13. Review status: criteria provided, single submitter. Criteria: ACMG Guidelines, 2015. Collection method: clinical testing. Allele origin: germline.

Ambry Genetics
Classification: Uncertain significance for Inborn genetic diseases. Last evaluated: 2021-09-17. Review status: criteria provided, single submitter. Criteria: Ambry Variant Classification Scheme 2023. Collection method: clinical testing. Allele origin: germline.

Illumina Laboratory Services, Illumina
Classification: Likely benign for Neutral lipid storage myopathy. Last evaluated: 2018-01-13. Review status: criteria provided, single submitter. Criteria: ICSL Variant Classification Criteria 13 December 2019. Collection method: clinical testing. Allele origin: germline.
Comment: This variant was observed in the ICSL laboratory as part of a predisposition screen in an ostensibly healthy population. It had not been previously curated by ICSL or reported in the Human Gene Mutation Database (HGMD: prior to June 1st, 2018), and was therefore a candidate for classification through an automated scoring system. Utilizing variant allele frequency, disease prevalence and penetrance estimates, and inheritance mode, an automated score was calculated to assess if this variant is too frequent to cause the disease. Based on the score and internal cut-off values, a variant classified as likely benign is not then subjected to further curation. The score for this variant resulted in a classification of likely benign for this disease.

PreventionGenetics, part of Exact Sciences
Classification: Likely benign. Review status: criteria provided, single submitter. Criteria: ACMG Guidelines, 2015. Collection method: clinical testing. Allele origin: germline.